The following is an entry in ClinVar:

NM_022041.4(GAN):c.833T>C (p.Val278Ala)

Gene: GAN (gigaxonin; plus strand). Cytogenetic location: 16q23.2.
Variant type: single nucleotide variant.
Coding change: c.833T>C on transcript NM_022041.4 (MANE Select); coding-DNA position 833, T replaced by C.
Protein change: p.Val278Ala; replaces valine 278 with alanine.
Molecular consequence: missense variant.
Genome position (GRCh38, 1-based): chr16:81,356,984, T>C. VCF-style: chr16-81356984-T-C. GRCh37 (hg19) VCF-style: chr16-81390589-T-C.
Other names: c.194T>C, p.Val65Ala (NM_001377486.1); short protein forms V278A, V65A.
Identifiers: ClinVar variation 2057644 (VCV002057644.4), dbSNP rs1435481737, ClinGen allele CA396872377.
Genomic context (GRCh38, chr16:81,356,984, plus strand): 5'-AAGGGGAGGCGATGCTGGCCAACTTCAAACCCCGGGGCTACTCTGAGTGCATCGTGACTG[T>C]TGGTGGAGAAGAGAGAGTGTAAGTATGAGGTGGGACTTGTTTGAAAAGTGGTGTATGGGA-3'
Protein context (NP_071324.1, residues 268-288): PRGYSECIVT[Val278Ala]GGEERVSRKP

ClinVar aggregate classification (germline): Uncertain significance (1 of 4 stars; one submission).

Conditions:
Giant axonal neuropathy 1 (GAN1). Also called: GIANT AXONAL NEUROPATHY 1, AUTOSOMAL RECESSIVE; GAN-Related Neurodegeneration. Identifiers: Orphanet 643, MedGen C1850386, MONDO:0009749, OMIM 256850.

Allele frequency attached by ClinVar (database versions not stated): gnomAD exomes below 0.00001; TOPMed below 0.00001; gnomAD 0.00001.
gnomAD v4.1: 2 of 1,606,936 alleles (0.00012%); highest among the groups gnomAD compares: East Asian, 0.0045%; no homozygotes.

Submission:

Labcorp Genetics (formerly Invitae), Labcorp
Classification: Uncertain significance for Giant axonal neuropathy 1. Last evaluated: 2026-01-19. Review status: criteria provided, single submitter. Criteria: Invitae Variant Classification Sherloc (09022015). Collection method: clinical testing. Allele origin: germline.
Comment: This sequence change replaces valine, which is neutral and non-polar, with alanine, which is neutral and non-polar, at codon 278 of the GAN protein (p.Val278Ala). This variant is not present in population databases (gnomAD no frequency). This variant has not been reported in the literature in individuals affected with GAN-related conditions. ClinVar contains an entry for this variant (Variation ID: 2057644). Invitae Evidence Modeling of protein sequence and biophysical properties (such as structural, functional, and spatial information, amino acid conservation, physicochemical variation, residue mobility, and thermodynamic stability) indicates that this missense variant is not expected to disrupt GAN protein function with a negative predictive value of 80%. In summary, the available evidence is currently insufficient to determine the role of this variant in disease. Therefore, it has been classified as a Variant of Uncertain Significance.